The following is an entry in ClinVar:

NM_004525.3(LRP2):c.10991C>G (p.Ser3664Trp)

Gene: LRP2 (LDL receptor related protein 2; minus strand). Cytogenetic location: 2q31.1.
Variant type: single nucleotide variant.
Coding change: c.10991C>G on transcript NM_004525.3 (MANE Select); coding-DNA position 10991, C replaced by G.
Protein change: p.Ser3664Trp; replaces serine 3664 with tryptophan.
Molecular consequence: missense variant.
Genome position (GRCh38, 1-based): chr2:169,173,942, G>C on the plus strand (C>G on the coding strand, the complement: LRP2 is on the minus strand). VCF-style: chr2-169173942-G-C. GRCh37 (hg19) VCF-style: chr2-170030452-G-C.
Other names: short protein forms S3664W.
Identifiers: ClinVar variation 1386867 (VCV001386867.3), dbSNP rs768603773, ClinGen allele CA59909635.

ClinVar aggregate classification (germline): Uncertain significance (1 of 4 stars; one submission).

gnomAD v4.1: 1 of 1,614,132 alleles (0.000062%); highest among the groups gnomAD compares: Non-Finnish European, 0.000085%; no homozygotes.

Submission:

Labcorp Genetics (formerly Invitae), Labcorp
Classification: Uncertain significance. Last evaluated: 2021-10-14. Review status: criteria provided, single submitter. Criteria: Invitae Variant Classification Sherloc (09022015). Collection method: clinical testing. Allele origin: germline.
Comment: This sequence change replaces serine with tryptophan at codon 3664 of the LRP2 protein (p.Ser3664Trp). The serine residue is highly conserved and there is a large physicochemical difference between serine and tryptophan. This variant is not present in population databases (ExAC no frequency). This variant has not been reported in the literature in individuals affected with LRP2-related conditions. Advanced modeling of protein sequence and biophysical properties (such as structural, functional, and spatial information, amino acid conservation, physicochemical variation, residue mobility, and thermodynamic stability) performed at Invitae indicates that this missense variant is expected to disrupt LRP2 protein function. In summary, the available evidence is currently insufficient to determine the role of this variant in disease. Therefore, it has been classified as a Variant of Uncertain Significance.